The following is an entry in ClinVar:

NM_001366385.1(CARD14):c.2924G>C (p.Trp975Ser)

Genes: CARD14 (caspase recruitment domain family member 14; plus strand), SGSH (N-sulfoglucosamine sulfohydrolase; minus strand). Cytogenetic location: 17q25.3.
Variant type: single nucleotide variant.
Coding change: c.2924G>C on transcript NM_001366385.1 (MANE Select); coding-DNA position 2924, G replaced by C.
Protein change: p.Trp975Ser; replaces tryptophan 975 with serine.
Molecular consequence: missense variant. On other transcripts: non-coding transcript variant (1).
Genome position (GRCh38, 1-based): chr17:80,208,254, G>C. VCF-style: chr17-80208254-G-C. GRCh37 (hg19) VCF-style: chr17-78182053-G-C.
Other names: c.2924G>C, p.Trp975Ser (NM_024110.4); short protein forms W975S.
Identifiers: ClinVar variation 1000985 (VCV001000985.9), dbSNP rs2041459906, ClinGen allele CA401357626.

ClinVar aggregate classification (germline): Uncertain significance (1 of 4 stars; one submission).

Conditions:
Psoriasis 2. Identifiers: MedGen C1864497, MONDO:0011269, OMIM 602723.
Pityriasis rubra pilaris (PRP). Also called: Pityriasis rubra pilaris--familial type. Identifiers: Orphanet 2897, MedGen C0032027, MONDO:0100017, OMIM 173200, MONDO:0008251.

Submission:

Labcorp Genetics (formerly Invitae), Labcorp
Classification: Uncertain significance for Pityriasis rubra pilaris; Psoriasis 2. Last evaluated: 2020-09-09. Review status: criteria provided, single submitter. Criteria: Invitae Variant Classification Sherloc (09022015). Collection method: clinical testing. Allele origin: germline.
Comment: This sequence change replaces tryptophan with serine at codon 975 of the CARD14 protein (p.Trp975Ser). The tryptophan residue is highly conserved and there is a large physicochemical difference between tryptophan and serine. This variant is not present in population databases (ExAC no frequency). This variant has not been reported in the literature in individuals with CARD14-related conditions. Algorithms developed to predict the effect of missense changes on protein structure and function are either unavailable or do not agree on the potential impact of this missense change (SIFT: "Tolerated"; PolyPhen-2: "Probably Damaging"; Align-GVGD: "Class C0"). In summary, the available evidence is currently insufficient to determine the role of this variant in disease. Therefore, it has been classified as a Variant of Uncertain Significance.